The following is an entry in ClinVar:

NM_000080.4(CHRNE):c.1096_1105dup (p.Pro369fs)

Genes: CHRNE (cholinergic receptor nicotinic epsilon subunit; minus strand), LOC130060041 (ATAC-STARR-seq lymphoblastoid silent region 8050; plus strand). Cytogenetic location: 17p13.2.
Variant type: Duplication.
Coding change: c.1096_1105dup on transcript NM_000080.4 (MANE Select); coding-DNA positions 1096 to 1105, 10 bases duplicated (GCCTCGCCCC; older notation c.1096_1105dupGCCTCGCCCC).
Protein change: p.Pro369fs; shifts the reading frame from proline 369.
Molecular consequence: frameshift variant.
Genome position (GRCh38, 1-based): chr17:4,899,312-4,899,321, GGGGCGAGGC duplicated on the plus strand (GCCTCGCCCC on the coding strand, the reverse complement: CHRNE is on the minus strand); duplicating any 10 consecutive bases within chr17:4,899,312-4,899,323 gives the same sequence; the c. name uses the placement nearest the transcript's 3' end. VCF-style (leftmost placement, unchanged base first): chr17-4899311-G-GGGGGCGAGGC. GRCh37 (hg19) VCF-style: chr17-4802606-G-GGGGGCGAGGC.
Other names: short protein forms P369fs.
Identifiers: ClinVar variation 853401 (VCV000853401.8), dbSNP rs1255916068, ClinGen allele CA624855891.
Genomic context (GRCh38, chr17:4,899,311, plus strand): 5'-GGCTTTTTCAGTATCAGCTCCTCCGCGCGGAGCAATAAGCCCACCGACGACGCCCGCCTT[G>GGGGGCGAGGC]GGGGCGAGGCGGCCCGGGGGGCCTCGGGCGGCGGCGGGGAGCCCAGGAGGCGCGGCAGCA-3'

ClinVar aggregate classification (germline): Pathogenic (1 of 4 stars; one submission).

Conditions:
Congenital myasthenic syndrome 4A. Also called: Myasthenic syndrome, congenital, 4a, slow-channel; MYASTHENIC SYNDROME, CONGENITAL, 4A, SLOW-CHANNEL, AUTOSOMAL RECESSIVE; CONGENITAL MYASTHENIC SYNDROME TYPE Ia1. Identifiers: Orphanet 590, MedGen C4225413, MONDO:0011600, OMIM 605809.

Submission:

Labcorp Genetics (formerly Invitae), Labcorp
Classification: Pathogenic for Congenital myasthenic syndrome 4A. Last evaluated: 2025-11-19. Review status: criteria provided, single submitter. Criteria: Invitae Variant Classification Sherloc (09022015). Collection method: clinical testing. Allele origin: germline.
Comment: This sequence change creates a premature translational stop signal (p.Pro369Argfs*31) in the CHRNE gene. It is expected to result in an absent or disrupted protein product. Loss-of-function variants in CHRNE are known to be pathogenic (PMID: 22678886). This variant is present in population databases (no rsID available, gnomAD 0.01%). This variant has not been reported in the literature in individuals affected with CHRNE-related conditions. ClinVar contains an entry for this variant (Variation ID: 853401). For these reasons, this variant has been classified as Pathogenic.

Literature cited by the submitters: PubMed 22678886.